The following is an entry in ClinVar:

ClinVar aggregate classification (germline): Uncertain significance. Review status: criteria provided, multiple submitters, no conflicts (2 of 4 stars). 3 submissions from 3 submitters: Uncertain significance (3). Last evaluated 2026-01-19.

Conditions:
Chuvash polycythemia. Also called: POLYCYTHEMIA, VHL-DEPENDENT. Identifiers: Orphanet 238557, MedGen C1837915, MONDO:0009892, OMIM 263400.
Von Hippel-Lindau syndrome (VHLS). Also called: VHL syndrome; Von Hippel-Lindau; von Hippel–Lindau syndrome. Identifiers: Orphanet 892, MedGen C0019562, MONDO:0008667, OMIM 193300. Disease mechanism: loss of function.
Hereditary cancer-predisposing syndrome. Also called: Neoplastic Syndromes, Hereditary; Hereditary Cancer Syndrome; Hereditary neoplastic syndrome; Tumor predisposition. Identifiers: Orphanet 140162, MedGen C0027672, MeSH D009386, MONDO:0015356.

Allele frequency attached by ClinVar (database versions not stated): gnomAD 0.00001; TOPMed 0.00001.
gnomAD v4.1: 2 of 1,535,324 alleles (0.00013%); highest among the groups gnomAD compares: African/African-American, 0.0014%; no homozygotes.

Submissions (3):

Labcorp Genetics (formerly Invitae), Labcorp
Classification: Uncertain significance for Von Hippel-Lindau syndrome; Chuvash polycythemia. Last evaluated: 2026-01-19. Review status: criteria provided, single submitter. Criteria: Invitae Variant Classification Sherloc (09022015). Collection method: clinical testing. Allele origin: germline.
Comment: This sequence change replaces proline, which is neutral and non-polar, with alanine, which is neutral and non-polar, at codon 2 of the VHL protein (p.Pro2Ala). This variant is not present in population databases (gnomAD no frequency). This missense change has been observed in individual(s) with von Hippel-Lindau syndrome (PMID: 32303605). ClinVar contains an entry for this variant (Variation ID: 825356). Invitae Evidence Modeling of protein sequence and biophysical properties (such as structural, functional, and spatial information, amino acid conservation, physicochemical variation, residue mobility, and thermodynamic stability) indicates that this missense variant is not expected to disrupt VHL protein function with a negative predictive value of 95%. In summary, the available evidence is currently insufficient to determine the role of this variant in disease. Therefore, it has been classified as a Variant of Uncertain Significance.

Ambry Genetics
Classification: Uncertain significance for Hereditary cancer-predisposing syndrome. Last evaluated: 2024-04-19. Review status: criteria provided, single submitter. Criteria: Ambry Variant Classification Scheme 2023. Collection method: clinical testing. Allele origin: germline.
Comment: The p.P2A variant (also known as c.4C>G), located in coding exon 1 of the VHL gene, results from a C to G substitution at nucleotide position 4. The proline at codon 2 is replaced by alanine, an amino acid with highly similar properties. This amino acid position is well conserved in available vertebrate species. In addition, this alteration is predicted to be tolerated by in silico analysis. Based on the available evidence, the clinical significance of this variant remains unclear.

Baylor Genetics
Classification: Uncertain significance for Chuvash polycythemia. Last evaluated: 2023-12-12. Review status: criteria provided, single submitter. Criteria: ACMG Guidelines, 2015. Collection method: clinical testing. Allele origin: unknown.

Literature cited by the submitters: PubMed 32303605 (cited by Labcorp Genetics (formerly Invitae), Labcorp).

NM_000551.4(VHL):c.4C>G (p.Pro2Ala)

Gene: VHL (von Hippel-Lindau tumor suppressor; plus strand). Cytogenetic location: 3p25.3.
Variant type: single nucleotide variant.
Coding change: c.4C>G on transcript NM_000551.4 (MANE Select); coding-DNA position 4, C replaced by G.
Protein change: p.Pro2Ala; replaces proline 2 with alanine.
Molecular consequence: missense variant.
Genome position (GRCh38, 1-based): chr3:10,141,851, C>G. VCF-style: chr3-10141851-C-G. GRCh37 (hg19) VCF-style: chr3-10183535-C-G.
Other names: c.4C>G, p.Pro2Ala (NM_198156.3, NM_001354723.2); short protein forms P2A.
Identifiers: ClinVar variation 825356 (VCV000825356.11), dbSNP rs1034974221, ClinGen allele CA351747015.
Genomic context (GRCh38, chr3:10,141,851, plus strand): 5'-GCGTCCGACCCGCGGATCCCGCGGCGTCCGGCCCGGGTGGTCTGGATCGCGGAGGGAATG[C>G]CCCGGAGGGCGGAGAACTGGGACGAGGCCGAGGTAGGCGCGGAGGAGGCAGGCGTCGAAG-3'
Protein context (NP_000542.1, residues 1-12): M[Pro2Ala]RRAENWDEAE